The following is an entry in ClinVar:

NM_004958.4(MTOR):c.6843_6844delinsTT (p.Met2281_Gln2282delinsIleTer)

Gene: MTOR (mechanistic target of rapamycin kinase; minus strand). Cytogenetic location: 1p36.22.
Variant type: Indel.
Coding change: c.6843_6844delinsTT on transcript NM_004958.4 (MANE Select); coding-DNA positions 6843 to 6844, GC replaced by TT.
Protein change: p.Met2281_Gln2282delinsIleTer.
Molecular consequence: nonsense.
Genome position (GRCh38, 1-based): chr1:11,121,335-11,121,336, GC replaced by AA on the plus strand (GC replaced by TT on the coding strand, the reverse complement: MTOR is on the minus strand). VCF-style: chr1-11121335-GC-AA. GRCh37 (hg19) VCF-style: chr1-11181392-GC-AA.
Other names: c.6843_6844delinsTT, p.Met2281_Gln2282delinsIleTer (NM_001386500.1); c.5595_5596delinsTT, p.Met1865_Gln1866delinsIleTer (NM_001386501.1).
Identifiers: ClinVar variation 1328567 (VCV001328567.2), dbSNP rs2100356990, ClinGen allele CA2573051337.

ClinVar aggregate classification (germline): Uncertain significance (1 of 4 stars; one submission).

Submission:

GeneDx
Classification: Uncertain significance. Last evaluated: 2021-06-17. Review status: criteria provided, single submitter. Criteria: GeneDx Variant Classification Process June 2021. Collection method: clinical testing. Allele origin: germline. Affected: yes.
Comment: Not observed at significant frequency in large population cohorts (Lek et al., 2016); Nonsense variant predicted to result in protein truncation or nonsense-mediated decay in a gene for which loss-of-function is not a known mechanism of disease; Has not been previously published as pathogenic or benign to our knowledge; This variant is associated with the following publications: (PMID: 27535533)